The following is an entry in ClinVar:

ClinVar aggregate classification (germline): Uncertain significance (1 of 4 stars; one submission).

Conditions:
Cataract 33. Also called: CATARACT 33, CORTICAL. Identifiers: Orphanet 91492, MedGen C3808107, MONDO:0012665, OMIM 611391.

Allele frequency attached by ClinVar (database versions not stated): ExAC 0.00001; gnomAD exomes 0.00001 and 0.00003; TOPMed 0.00001; gnomAD 0.00002.
gnomAD v4.1: 52 of 1,613,998 alleles (0.0032%); highest among the groups gnomAD compares: Non-Finnish European, 0.0042%; no homozygotes.

Submission:

Labcorp Genetics (formerly Invitae), Labcorp
Classification: Uncertain significance for Cataract 33. Last evaluated: 2021-02-17. Review status: criteria provided, single submitter. Criteria: Invitae Variant Classification Sherloc (09022015). Collection method: clinical testing. Allele origin: germline.
Comment: This variant has not been reported in the literature in individuals with BFSP1-related conditions. In summary, the available evidence is currently insufficient to determine the role of this variant in disease. Therefore, it has been classified as a Variant of Uncertain Significance. Algorithms developed to predict the effect of missense changes on protein structure and function are either unavailable or do not agree on the potential impact of this missense change (SIFT: "Deleterious"; PolyPhen-2: "Benign"; Align-GVGD: "Class C0"). This variant is present in population databases (rs765144287, ExAC 0.01%). This sequence change replaces lysine with glutamine at codon 447 of the BFSP1 protein (p.Lys447Gln). The lysine residue is weakly conserved and there is a small physicochemical difference between lysine and glutamine.

NM_001195.5(BFSP1):c.1339A>C (p.Lys447Gln)

Gene: BFSP1 (beaded filament structural protein 1; minus strand). Cytogenetic location: 20p12.1.
Variant type: single nucleotide variant.
Coding change: c.1339A>C on transcript NM_001195.5 (MANE Select); coding-DNA position 1339, A replaced by C.
Protein change: p.Lys447Gln; replaces lysine 447 with glutamine.
Molecular consequence: missense variant.
Genome position (GRCh38, 1-based): chr20:17,494,733, T>G on the plus strand (A>C on the coding strand, the complement: BFSP1 is on the minus strand). VCF-style: chr20-17494733-T-G. GRCh37 (hg19) VCF-style: chr20-17475378-T-G.
Other names: c.964A>C, p.Lys322Gln (NM_001161705.2); c.922A>C, p.Lys308Gln (NM_001278606.2, NM_001278608.2); c.1006A>C, p.Lys336Gln (NM_001278607.2); short protein forms K447Q, K308Q, K322Q, K336Q.
Identifiers: ClinVar variation 1373792 (VCV001373792.8), dbSNP rs765144287, ClinGen allele CA9772081.